The following is an entry in ClinVar:

NM_014956.5(CEP164):c.4084A>G (p.Lys1362Glu)

Gene: CEP164 (centrosomal protein 164; plus strand). Cytogenetic location: 11q23.3.
Variant type: single nucleotide variant.
Coding change: c.4084A>G on transcript NM_014956.5 (MANE Select); coding-DNA position 4084, A replaced by G.
Protein change: p.Lys1362Glu; replaces lysine 1362 with glutamic acid.
Molecular consequence: missense variant.
Genome position (GRCh38, 1-based): chr11:117,409,953, A>G. VCF-style: chr11-117409953-A-G. GRCh37 (hg19) VCF-style: chr11-117280669-A-G.
Other names: c.4069A>G, p.Lys1357Glu (NM_001271933.2); short protein forms K1357E, K1362E.
Identifiers: ClinVar variation 864087 (VCV000864087.8), dbSNP rs377401620, ClinGen allele CA6295663.

ClinVar aggregate classification (germline): Uncertain significance. Review status: criteria provided, multiple submitters, no conflicts (2 of 4 stars). 3 submissions from 3 submitters: Uncertain significance (3). Last evaluated 2024-12-17.

Conditions:
Nephronophthisis 15 (NPHP15). Identifiers: Orphanet 3156, MedGen C3541853, MONDO:0013917, OMIM 614845.
CEP164-related disorder. Also called: CEP164-related condition.
Inborn genetic diseases. Identifiers: MedGen C0950123, MeSH D030342.

Allele frequency attached by ClinVar (database versions not stated): gnomAD exomes below 0.00001; TOPMed below 0.00001; ExAC 0.00001; gnomAD 0.00001.
gnomAD v4.1: 5 of 1,614,116 alleles (0.00031%); highest among the groups gnomAD compares: East Asian, 0.0067%; no homozygotes.

Submissions (3):

PreventionGenetics, part of Exact Sciences
Classification: Uncertain significance for CEP164-related condition. Last evaluated: 2024-12-17. Review status: criteria provided, single submitter. Criteria: ACMG Guidelines, 2015. Collection method: clinical testing. Allele origin: germline.
Comment: The CEP164 c.4084A>G variant is predicted to result in the amino acid substitution p.Lys1362Glu. To our knowledge, this variant has not been reported in the literature. This variant is reported in 0.0033% of alleles in individuals of South Asian descent in gnomAD. At this time, the clinical significance of this variant is uncertain due to the absence of conclusive functional and genetic evidence.

Ambry Genetics
Classification: Uncertain significance for Inborn genetic diseases. Last evaluated: 2022-09-14. Review status: criteria provided, single submitter. Criteria: Ambry Variant Classification Scheme 2023. Collection method: clinical testing. Allele origin: germline.

Labcorp Genetics (formerly Invitae), Labcorp
Classification: Uncertain significance for Nephronophthisis 15. Last evaluated: 2022-08-10. Review status: criteria provided, single submitter. Criteria: Invitae Variant Classification Sherloc (09022015). Collection method: clinical testing. Allele origin: germline.
Comment: This sequence change replaces lysine, which is basic and polar, with glutamic acid, which is acidic and polar, at codon 1362 of the CEP164 protein (p.Lys1362Glu). This variant is present in population databases (rs377401620, gnomAD 0.003%). This variant has not been reported in the literature in individuals affected with CEP164-related conditions. ClinVar contains an entry for this variant (Variation ID: 864087). Algorithms developed to predict the effect of missense changes on protein structure and function are either unavailable or do not agree on the potential impact of this missense change (SIFT: "Deleterious"; PolyPhen-2: "Probably Damaging"; Align-GVGD: "Class C0"). In summary, the available evidence is currently insufficient to determine the role of this variant in disease. Therefore, it has been classified as a Variant of Uncertain Significance.